The following is an entry in ClinVar:

NM_006015.6(ARID1A):c.1970_1971del (p.Leu657fs)

Gene: ARID1A (AT-rich interaction domain 1A; plus strand). Cytogenetic location: 1p36.11.
Variant type: Deletion.
Coding change: c.1970_1971del on transcript NM_006015.6 (MANE Select); coding-DNA positions 1970 to 1971, 2 bases deleted (TG; older notation c.1970_1971delTG).
Protein change: p.Leu657fs; shifts the reading frame from leucine 657.
Molecular consequence: frameshift variant.
Genome position (GRCh38, 1-based): chr1:26,760,905-26,760,906, TG deleted. VCF-style (leftmost placement, unchanged base first): chr1-26760904-CTG-C. GRCh37 (hg19) VCF-style: chr1-27087395-CTG-C.
Other names: c.1970_1971del, p.Leu657fs (NM_139135.4); short protein forms L657fs.
Identifiers: ClinVar variation 4759294 (VCV004759294.1).
Genomic context (GRCh38, chr1:26,760,904, plus strand): 5'-TATATGTTCTAGGATCTATCTGGTTCAATAGATGACCTCCCCATGGGGACAGAAGGAGCT[CTG>C]AGTCCTGGAGTGAGCACATCAGGGATTTCCAGCAGCCAAGGAGAGCAGAGTAATCCAGCT-3'

ClinVar aggregate classification (germline): Pathogenic (1 of 4 stars; one submission).

Conditions:
Intellectual disability, autosomal dominant 14 (CSS2). Also called: COFFIN-SIRIS SYNDROME 2. Identifiers: Orphanet 1465, MedGen C3553247, MONDO:0013819, OMIM 614607.

Submission:

Institute for Genomic Medicine (IGM) Clinical Laboratory, Nationwide Children's Hospital
Classification: Pathogenic for Intellectual disability, autosomal dominant 14. Last evaluated: 2024-03-13. Review status: criteria provided, single submitter. Criteria: ACMG Guidelines, 2015. Collection method: clinical testing. Allele origin: germline.
Comment: This variant is predicted to result in loss of function through nonsense-mediated decay of the encoded transcript or premature truncation of the encoded protein in a gene in which loss of function is a known mechanism of disease (ACMG/AMP: PVS1; PMIDs:23906836, 29351919, 30123105, 36049608). Well-established functional studies have demonstrated this variant to have a damaging effect on protein function or splicing (ACMG/AMP: PS3_Supporting; PMID:35125107). This variant is absent from or present at an exceedingly low frequency in gnomAD, a large-scale control population database (ACMG/AMP: PM2).

Literature cited by the submitters: PubMed 23906836; PubMed 29351919; PubMed 30123105; PubMed 36049608; PubMed 35125107.